The following is an entry in ClinVar:

ClinVar aggregate classification (germline): Benign/Likely benign. Review status: criteria provided, multiple submitters, no conflicts (2 of 4 stars). 2 submissions from 2 submitters: Benign (1); Likely benign (1). Last evaluated 2026-06-01.

Allele frequency attached by ClinVar (database versions not stated): ESP Exome Variant Server 0.00032; TOPMed 0.00054; gnomAD exomes 0.00060 and 0.00069; gnomAD 0.00068 and 0.00073; ExAC 0.00069; 1000 Genomes Project 30x 0.00078; 1000 Genomes Project 0.00100.
gnomAD v4.1: 993 of 1,611,522 alleles (0.062%); highest among the groups gnomAD compares: Non-Finnish European, 0.058%; 2 homozygotes.

Submissions (2):

CeGaT Center for Human Genetics Tuebingen
Classification: Likely benign. Last evaluated: 2026-06-01. Review status: criteria provided, single submitter. Criteria: CeGaT Center For Human Genetics Tuebingen Variant Classification Criteria Version 2. Collection method: clinical testing. Allele origin: germline. Affected: yes. Observed: 2 variant alleles.
Comment: DOT1L: BP4, BP7

Labcorp Genetics (formerly Invitae), Labcorp
Classification: Benign. Last evaluated: 2018-07-17. Review status: criteria provided, single submitter. Criteria: Invitae Variant Classification Sherloc (09022015). Collection method: clinical testing. Allele origin: germline.

NM_032482.3(DOT1L):c.3204C>T (p.Thr1068=)

Gene: DOT1L (DOT1 like histone lysine methyltransferase; plus strand). Cytogenetic location: 19p13.3.
Variant type: single nucleotide variant.
Coding change: c.3204C>T on transcript NM_032482.3 (MANE Select); coding-DNA position 3204, C replaced by T.
Protein change: p.Thr1068=; no amino-acid change (threonine 1068 retained).
Molecular consequence: synonymous variant.
Genome position (GRCh38, 1-based): chr19:2,222,373, C>T. VCF-style: chr19-2222373-C-T. GRCh37 (hg19) VCF-style: chr19-2222372-C-T.
Identifiers: ClinVar variation 718640 (VCV000718640.5), dbSNP rs201646049, ClinGen allele CA9061179.